The following is an entry in ClinVar:

ClinVar aggregate classification (germline): Uncertain significance. Review status: criteria provided, multiple submitters, no conflicts (2 of 4 stars). 4 submissions from 4 submitters: Uncertain significance (4). Last evaluated 2023-12-11.

Conditions:
Usher syndrome type 2C. Also called: Usher syndrome, type 2B; USHER SYNDROME, TYPE IIC. Identifiers: Orphanet 231178, Orphanet 886, MedGen C2931213, MONDO:0011558, OMIM 605472.
Febrile seizures, familial, 4 (FEB4). Also called: CONVULSIONS, FAMILIAL FEBRILE, 4. Identifiers: MedGen C1858493, MONDO:0011443, OMIM 604352.

Allele frequency attached by ClinVar (database versions not stated): gnomAD exomes below 0.00001; ExAC 0.00005.
gnomAD v4.1: 4 of 1,531,968 alleles (0.00026%); highest among the groups gnomAD compares: Non-Finnish European, 0.00035%; no homozygotes.

Submissions (4):

Labcorp Genetics (formerly Invitae), Labcorp
Classification: Uncertain significance. Last evaluated: 2023-12-11. Review status: criteria provided, single submitter. Criteria: Invitae Variant Classification Sherloc (09022015). Collection method: clinical testing. Allele origin: germline.
Comment: This sequence change replaces phenylalanine, which is neutral and non-polar, with leucine, which is neutral and non-polar, at codon 3018 of the ADGRV1 protein (p.Phe3018Leu). This variant is present in population databases (rs769373495, gnomAD 0.002%). This missense change has been observed in individual(s) with clinical features of ADGRV1-related conditions (PMID: 32707200). ClinVar contains an entry for this variant (Variation ID: 804502). Advanced modeling of protein sequence and biophysical properties (such as structural, functional, and spatial information, amino acid conservation, physicochemical variation, residue mobility, and thermodynamic stability) performed at Invitae indicates that this missense variant is not expected to disrupt ADGRV1 protein function with a negative predictive value of 95%. In summary, the available evidence is currently insufficient to determine the role of this variant in disease. Therefore, it has been classified as a Variant of Uncertain Significance.

Fulgent Genetics
Classification: Uncertain significance for Febrile seizures, familial, 4; Usher syndrome type 2C. Last evaluated: 2021-07-19. Review status: criteria provided, single submitter. Criteria: ACMG Guidelines, 2015. Collection method: clinical testing. Allele origin: unknown.

Blueprint Genetics
Classification: Uncertain significance. Last evaluated: 2021-06-11. Review status: criteria provided, single submitter. Criteria: ACMG Guidelines, 2015. Collection method: clinical testing. Allele origin: germline.

Athena Diagnostics
Classification: Uncertain significance. Last evaluated: 2019-05-06. Review status: criteria provided, single submitter. Criteria: Athena Diagnostics Criteria. Collection method: clinical testing. Allele origin: germline.

Literature cited by the submitters: PubMed 32707200 (cited by Labcorp Genetics (formerly Invitae), Labcorp).

NM_032119.4(ADGRV1):c.9052T>C (p.Phe3018Leu)

Gene: ADGRV1 (adhesion G protein-coupled receptor V1; plus strand). Cytogenetic location: 5q14.3.
Variant type: single nucleotide variant.
Coding change: c.9052T>C on transcript NM_032119.4 (MANE Select); coding-DNA position 9052, T replaced by C.
Protein change: p.Phe3018Leu; replaces phenylalanine 3018 with leucine.
Molecular consequence: missense variant. On other transcripts: non-coding transcript variant (1).
Genome position (GRCh38, 1-based): chr5:90,712,296, T>C. VCF-style: chr5-90712296-T-C. GRCh37 (hg19) VCF-style: chr5-90008113-T-C.
Other names: short protein forms F3018L.
Identifiers: ClinVar variation 804502 (VCV000804502.10), dbSNP rs769373495, ClinGen allele CA3340436.